The following is an entry in ClinVar:

ClinVar aggregate classification (germline): Uncertain significance. Review status: criteria provided, multiple submitters, no conflicts (2 of 4 stars). 2 submissions from 2 submitters: Uncertain significance (2). Last evaluated 2025-03-08.

Conditions:
Baller-Gerold syndrome (BGS). Also called: CRANIOSYNOSTOSIS WITH RADIAL DEFECTS. Identifiers: Orphanet 1225, MedGen C0265308, MONDO:0009039, OMIM 218600.
Inborn genetic diseases. Identifiers: MedGen C0950123, MeSH D030342.

Allele frequency attached by ClinVar (database versions not stated): gnomAD exomes below 0.00001; gnomAD 0.00001.
gnomAD v4.1: 5 of 1,609,842 alleles (0.00031%); highest among the groups gnomAD compares: Non-Finnish European, 0.00042%; no homozygotes.

Submissions (2):

Ambry Genetics
Classification: Uncertain significance for Inborn genetic diseases. Last evaluated: 2025-03-08. Review status: criteria provided, single submitter. Criteria: Ambry Variant Classification Scheme 2023. Collection method: clinical testing. Allele origin: germline.
Comment: The p.E270D variant (also known as c.810G>C), located in coding exon 5 of the RECQL4 gene, results from a G to C substitution at nucleotide position 810. The glutamic acid at codon 270 is replaced by aspartic acid, an amino acid with highly similar properties. This amino acid position is conserved. In addition, this alteration is predicted to be tolerated by in silico analysis. Based on the available evidence, the clinical significance of this variant remains unclear.

Labcorp Genetics (formerly Invitae), Labcorp
Classification: Uncertain significance for Baller-Gerold syndrome. Last evaluated: 2023-11-17. Review status: criteria provided, single submitter. Criteria: Invitae Variant Classification Sherloc (09022015). Collection method: clinical testing. Allele origin: germline.
Comment: This sequence change replaces glutamic acid, which is acidic and polar, with aspartic acid, which is acidic and polar, at codon 270 of the RECQL4 protein (p.Glu270Asp). This variant is present in population databases (no rsID available, gnomAD 0.007%). This variant has not been reported in the literature in individuals affected with RECQL4-related conditions. ClinVar contains an entry for this variant (Variation ID: 582055). Advanced modeling of protein sequence and biophysical properties (such as structural, functional, and spatial information, amino acid conservation, physicochemical variation, residue mobility, and thermodynamic stability) performed at Invitae indicates that this missense variant is not expected to disrupt RECQL4 protein function with a negative predictive value of 80%. In summary, the available evidence is currently insufficient to determine the role of this variant in disease. Therefore, it has been classified as a Variant of Uncertain Significance.

NM_004260.4(RECQL4):c.810G>C (p.Glu270Asp)

Gene: RECQL4 (RecQ like helicase 4; minus strand). Cytogenetic location: 8q24.3.
Variant type: single nucleotide variant.
Coding change: c.810G>C on transcript NM_004260.4 (MANE Select); coding-DNA position 810, G replaced by C.
Protein change: p.Glu270Asp; replaces glutamic acid 270 with aspartic acid.
Molecular consequence: missense variant.
Genome position (GRCh38, 1-based): chr8:144,516,309, C>G on the plus strand (G>C on the coding strand, the complement: RECQL4 is on the minus strand). VCF-style: chr8-144516309-C-G. GRCh37 (hg19) VCF-style: chr8-145741693-C-G.
Other names: short protein forms E270D.
Identifiers: ClinVar variation 582055 (VCV000582055.3), dbSNP rs1333353971, ClinGen allele CA372689130.